The following is an entry in ClinVar:

ClinVar aggregate classification (germline): Uncertain significance. Review status: criteria provided, multiple submitters, no conflicts (2 of 4 stars). 3 submissions from 3 submitters: Uncertain significance (3). Last evaluated 2024-11-08.

Conditions:
Epidermolytic palmoplantar keratoderma, 1 (EPPK1). Also called: TYLOSIS; PALMOPLANTAR KERATODERMA, EPIDERMOLYTIC, WITH KNUCKLE PADS. Identifiers: Orphanet 2199, MedGen CN377798, MONDO:0007758, OMIM 144200.
Inborn genetic diseases. Identifiers: MedGen C0950123, MeSH D030342.

Allele frequency attached by ClinVar (database versions not stated): gnomAD 0.00002; ExAC 0.00005; TOPMed 0.00005; gnomAD exomes 0.00008.
gnomAD v4.1: 120 of 1,613,998 alleles (0.0074%); highest among the groups gnomAD compares: Middle Eastern, 0.033%; no homozygotes.

Submissions (3):

Ambry Genetics
Classification: Uncertain significance for Inborn genetic diseases. Last evaluated: 2024-11-08. Review status: criteria provided, single submitter. Criteria: Ambry Variant Classification Scheme 2023. Collection method: clinical testing. Allele origin: germline.

Labcorp Genetics (formerly Invitae), Labcorp
Classification: Uncertain significance. Last evaluated: 2023-10-05. Review status: criteria provided, single submitter. Criteria: Invitae Variant Classification Sherloc (09022015). Collection method: clinical testing. Allele origin: germline.
Comment: This sequence change replaces arginine, which is basic and polar, with histidine, which is basic and polar, at codon 327 of the KRT9 protein (p.Arg327His). This variant is present in population databases (rs761374587, gnomAD 0.01%). This variant has not been reported in the literature in individuals affected with KRT9-related conditions. Advanced modeling of protein sequence and biophysical properties (such as structural, functional, and spatial information, amino acid conservation, physicochemical variation, residue mobility, and thermodynamic stability) performed at Invitae indicates that this missense variant is expected to disrupt KRT9 protein function. In summary, the available evidence is currently insufficient to determine the role of this variant in disease. Therefore, it has been classified as a Variant of Uncertain Significance.

Department of Pathology and Laboratory Medicine, Sinai Health System
Classification: Uncertain significance for Epidermolytic palmoplantar keratoderma, 1. Last evaluated: 2021-09-07. Review status: criteria provided, single submitter. Criteria: ACMG Guidelines, 2015. Collection method: research. Allele origin: germline.

NM_000226.4(KRT9):c.980G>A (p.Arg327His)

Gene: KRT9 (keratin 9; minus strand). Cytogenetic location: 17q21.2.
Variant type: single nucleotide variant.
Coding change: c.980G>A on transcript NM_000226.4 (MANE Select); coding-DNA position 980, G replaced by A.
Protein change: p.Arg327His; replaces arginine 327 with histidine.
Molecular consequence: missense variant.
Genome position (GRCh38, 1-based): chr17:41,569,490, C>T on the plus strand (G>A on the coding strand, the complement: KRT9 is on the minus strand). VCF-style: chr17-41569490-C-T. GRCh37 (hg19) VCF-style: chr17-39725742-C-T.
Other names: c.980G>A (NM_000226.3); short protein forms R327H.
Identifiers: ClinVar variation 2970040 (VCV002970040.5), dbSNP rs761374587, ClinGen allele CA8562081.
Genomic context (GRCh38, chr17:41,569,490, plus strand): 5'-GTCTCATATTGATTCTCGATGTCCTTTCTGTTCTTAGCAATGAGCTGCTCATACTCCTGA[C>T]GCATGTCATTGAGGGTCTTGGTGAGATCTTTGCCAGGAGCAACGTTTATCTCCACATTGA-3'
Protein context (NP_000217.2, residues 317-337): KDLTKTLNDM[Arg327His]QEYEQLIAKN